The following is an entry in ClinVar:

NM_017886.4(ULK4):c.1706A>G (p.Lys569Arg)

Gene: ULK4 (unc-51 like kinase 4; minus strand). Cytogenetic location: 3p22.1.
Variant type: single nucleotide variant.
Coding change: c.1706A>G on transcript NM_017886.4 (MANE Select); coding-DNA position 1706, A replaced by G.
Protein change: p.Lys569Arg; replaces lysine 569 with arginine.
Molecular consequence: missense variant. On other transcripts: non-coding transcript variant (1).
Genome position (GRCh38, 1-based): chr3:41,835,922, T>C on the plus strand (A>G on the coding strand, the complement: ULK4 is on the minus strand). VCF-style: chr3-41835922-T-C. GRCh37 (hg19) VCF-style: chr3-41877414-T-C.
Other names: c.1706A>G, p.Lys569Arg (NM_001322500.2); c.800A>G, p.Lys267Arg (NM_001322501.2); short protein forms K267R, K569R.
Identifiers: ClinVar variation 3058867 (VCV003058867.2), dbSNP rs3774372, ClinGen allele CA2332153.

ClinVar aggregate classification (germline): Benign (0 of 4 stars; one submission).

Conditions:
ULK4-related disorder. Also called: ULK4-related condition.

Allele frequency attached by ClinVar (database versions not stated): gnomAD exomes 0.16343; 1000 Genomes Project 30x 0.16911; ExAC 0.17142; 1000 Genomes Project 0.17272; TOPMed 0.17809; ESP Exome Variant Server 0.18087; gnomAD 0.18110.
gnomAD v4.1: 266,103 of 1,607,736 alleles (17%); highest among the groups gnomAD compares: Middle Eastern, 29%; 22,874 homozygotes.

Submission:

PreventionGenetics, part of Exact Sciences
Classification: Benign for ULK4-related condition. Last evaluated: 2019-10-21. Review status: no assertion criteria provided. Collection method: clinical testing. Allele origin: germline.
Comment: This variant is classified as benign based on ACMG/AMP sequence variant interpretation guidelines (Richards et al. 2015 PMID: 25741868, with internal and published modifications).